The following is an entry in ClinVar:

NM_000287.4(PEX6):c.470T>C (p.Val157Ala)

Gene: PEX6 (peroxisomal biogenesis factor 6; minus strand). Cytogenetic location: 6p21.1.
Variant type: single nucleotide variant.
Coding change: c.470T>C on transcript NM_000287.4 (MANE Select); coding-DNA position 470, T replaced by C.
Protein change: p.Val157Ala; replaces valine 157 with alanine.
Molecular consequence: missense variant. On other transcripts: non-coding transcript variant (1).
Genome position (GRCh38, 1-based): chr6:42,978,681, A>G on the plus strand (T>C on the coding strand, the complement: PEX6 is on the minus strand). VCF-style: chr6-42978681-A-G. GRCh37 (hg19) VCF-style: chr6-42946419-A-G.
Other names: c.470T>C, p.Val157Ala (NM_001316313.2); short protein forms V157A.
Identifiers: ClinVar variation 4779284 (VCV004779284.1).

ClinVar aggregate classification (germline): Uncertain significance (1 of 4 stars; one submission).

Conditions:
Peroxisome biogenesis disorder. Identifiers: Orphanet 79189, MedGen C1832200, MONDO:0019234. Disease mechanism: loss of function.

gnomAD v4.1: 2 of 1,555,530 alleles (0.00013%); highest among the groups gnomAD compares: Admixed American, 0.0038%; no homozygotes.

Submission:

Labcorp Genetics (formerly Invitae), Labcorp
Classification: Uncertain significance for Peroxisome biogenesis disorder. Last evaluated: 2025-08-20. Review status: criteria provided, single submitter. Criteria: Invitae Variant Classification Sherloc (09022015). Collection method: clinical testing. Allele origin: germline.
Comment: This sequence change replaces valine, which is neutral and non-polar, with alanine, which is neutral and non-polar, at codon 157 of the PEX6 protein (p.Val157Ala). This variant is present in population databases (no rsID available, gnomAD 0.008%). This variant has not been reported in the literature in individuals affected with PEX6-related conditions. An algorithm developed to predict the effect of missense changes on protein structure and function (PolyPhen-2) suggests that this variant is likely to be tolerated. In summary, the available evidence is currently insufficient to determine the role of this variant in disease. Therefore, it has been classified as a Variant of Uncertain Significance.